The following is an entry in ClinVar:

NM_001242896.3(DEPDC5):c.3715C>T (p.Leu1239Phe)

Gene: DEPDC5 (DEP domain containing 5, GATOR1 subcomplex subunit; plus strand). Cytogenetic location: 22q12.3.
Variant type: single nucleotide variant.
Coding change: c.3715C>T on transcript NM_001242896.3 (MANE Select); coding-DNA position 3715, C replaced by T.
Protein change: p.Leu1239Phe; replaces leucine 1239 with phenylalanine.
Molecular consequence: missense variant. On other transcripts: non-coding transcript variant (2).
Genome position (GRCh38, 1-based): chr22:31,876,175, C>T. VCF-style: chr22-31876175-C-T. GRCh37 (hg19) VCF-style: chr22-32272161-C-T.
Other names: c.3415C>T, p.Leu1139Phe (NM_001242897.2); c.3649C>T, p.Leu1217Phe (NM_001363852.2, NM_001364320.2); c.3481C>T, p.Leu1161Phe (NM_001363854.2, NM_001364319.2); c.3715C>T, p.Leu1239Phe (NM_001364318.2); c.3631C>T, p.Leu1211Phe (NM_001369901.1, NM_001369902.1); c.3622C>T, p.Leu1208Phe (NM_001369903.1, NM_014662.6); c.3688C>T, p.Leu1230Phe (NM_001136029.4); short protein forms L1139F, L1161F, L1208F, L1211F, L1217F, L1230F, L1239F.
Identifiers: ClinVar variation 1298892 (VCV001298892.37), dbSNP rs2149267051, ClinGen allele CA411279378.

ClinVar aggregate classification (germline): Uncertain significance. Review status: criteria provided, multiple submitters, no conflicts (2 of 4 stars). 2 submissions from 2 submitters: Uncertain significance (2). Last evaluated 2021-07-01.

Conditions:
Inborn genetic diseases. Identifiers: MedGen C0950123, MeSH D030342.

gnomAD v4.1: 1 of 1,614,088 alleles (0.000062%); highest among the groups gnomAD compares: Non-Finnish European, 0.000085%; no homozygotes.

Submissions (2):

CeGaT Center for Human Genetics Tuebingen
Classification: Uncertain significance. Last evaluated: 2021-07-01. Review status: criteria provided, single submitter. Criteria: CeGaT Center For Human Genetics Tuebingen Variant Classification Criteria Version 2. Collection method: clinical testing. Allele origin: germline. Affected: yes. Observed: 1 variant allele.

Ambry Genetics
Classification: Uncertain significance for Inborn genetic diseases. Last evaluated: 2019-02-11. Review status: criteria provided, single submitter. Criteria: Ambry Variant Classification Scheme 2023. Collection method: clinical testing. Allele origin: germline.
Comment: The p.L1239F variant (also known as c.3715C>T), located in coding exon 36 of the DEPDC5 gene, results from a C to T substitution at nucleotide position 3715. The leucine at codon 1239 is replaced by phenylalanine, an amino acid with highly similar properties. This amino acid position is highly conserved in available vertebrate species. In addition, this alteration is predicted to be tolerated by in silico analysis. Since supporting evidence is limited at this time, the clinical significance of this alteration remains unclear.